The following is an entry in ClinVar:

ClinVar aggregate classification (germline): Uncertain significance (1 of 4 stars; one submission).

Allele frequency attached by ClinVar (database versions not stated): gnomAD exomes below 0.00001; gnomAD 0.00001; TOPMed 0.00003.
gnomAD v4.1: 5 of 1,614,056 alleles (0.00031%); highest among the groups gnomAD compares: Admixed American, 0.0033%; no homozygotes.

Submission:

Labcorp Genetics (formerly Invitae), Labcorp
Classification: Uncertain significance. Last evaluated: 2024-09-30. Review status: criteria provided, single submitter. Criteria: Invitae Variant Classification Sherloc (09022015). Collection method: clinical testing. Allele origin: germline.
Comment: This sequence change replaces alanine, which is neutral and non-polar, with threonine, which is neutral and polar, at codon 642 of the NFKB1 protein (p.Ala642Thr). This variant is not present in population databases (gnomAD no frequency). This variant has not been reported in the literature in individuals affected with NFKB1-related conditions. ClinVar contains an entry for this variant (Variation ID: 1481040). Invitae Evidence Modeling of protein sequence and biophysical properties (such as structural, functional, and spatial information, amino acid conservation, physicochemical variation, residue mobility, and thermodynamic stability) indicates that this missense variant is not expected to disrupt NFKB1 protein function with a negative predictive value of 80%. In summary, the available evidence is currently insufficient to determine the role of this variant in disease. Therefore, it has been classified as a Variant of Uncertain Significance.

NM_003998.4(NFKB1):c.1924G>A (p.Ala642Thr)

Gene: NFKB1 (nuclear factor kappa B subunit 1; plus strand). Cytogenetic location: 4q24.
Variant type: single nucleotide variant.
Coding change: c.1924G>A on transcript NM_003998.4 (MANE Select); coding-DNA position 1924, G replaced by A.
Protein change: p.Ala642Thr; replaces alanine 642 with threonine.
Molecular consequence: missense variant.
Genome position (GRCh38, 1-based): chr4:102,606,667, G>A. VCF-style: chr4-102606667-G-A. GRCh37 (hg19) VCF-style: chr4-103527824-G-A.
Other names: c.1921G>A, p.Ala641Thr (NM_001165412.2, NM_001319226.2, NM_001382627.1); c.1924G>A, p.Ala642Thr (NM_001382625.1, NM_001382626.1); c.1882G>A, p.Ala628Thr (NM_001382628.1); short protein forms A641T, A628T, A642T.
Identifiers: ClinVar variation 1481040 (VCV001481040.8), dbSNP rs891064864, ClinGen allele CA102686452.